The following is an entry in ClinVar:

NM_022455.5(NSD1):c.4944A>T (p.Pro1648=)

Gene: NSD1 (nuclear receptor binding SET domain protein 1; plus strand). Cytogenetic location: 5q35.3.
Variant type: single nucleotide variant.
Coding change: c.4944A>T on transcript NM_022455.5 (MANE Select); coding-DNA position 4944, A replaced by T.
Protein change: p.Pro1648=; no amino-acid change (proline 1648 retained).
Molecular consequence: synonymous variant.
Genome position (GRCh38, 1-based): chr5:177,257,129, A>T. VCF-style: chr5-177257129-A-T. GRCh37 (hg19) VCF-style: chr5-176684130-A-T.
Other names: c.4071A>T, p.Pro1357= (NM_001365684.2, NM_001409308.1, NM_001409309.1 and 1 more transcripts); c.4944A>T, p.Pro1648= (NM_001409301.1, NM_001409302.1, NM_001409303.1); c.4524A>T, p.Pro1508= (NM_001409304.1); c.4191A>T, p.Pro1397= (NM_001409305.1); c.4182A>T, p.Pro1394= (NM_001409306.1, NM_001409307.1).
Identifiers: ClinVar variation 2656110 (VCV002656110.26), dbSNP rs2480665026, ClinGen allele CA447726152.

ClinVar aggregate classification (germline): Likely benign. Review status: criteria provided, multiple submitters, no conflicts (2 of 4 stars). 2 submissions from 2 submitters: Likely benign (2). Last evaluated 2024-12-16.

Submissions (2):

Labcorp Genetics (formerly Invitae), Labcorp
Classification: Likely benign. Last evaluated: 2024-12-16. Review status: criteria provided, single submitter. Criteria: Invitae Variant Classification Sherloc (09022015). Collection method: clinical testing. Allele origin: germline.

CeGaT Center for Human Genetics Tuebingen
Classification: Likely benign. Last evaluated: 2022-11-01. Review status: criteria provided, single submitter. Criteria: CeGaT Center For Human Genetics Tuebingen Variant Classification Criteria Version 2. Collection method: clinical testing. Allele origin: germline. Affected: yes. Observed: 1 variant allele.
Comment: NSD1: PM2:Supporting, BP4, BP7